The following is an entry in ClinVar:

NM_014009.4(FOXP3):c.761G>A (p.Ser254Asn)

Gene: FOXP3 (forkhead box P3; minus strand). Cytogenetic location: Xp11.23.
Variant type: single nucleotide variant.
Coding change: c.761G>A on transcript NM_014009.4 (MANE Select); coding-DNA position 761, G replaced by A.
Protein change: p.Ser254Asn; replaces serine 254 with asparagine.
Molecular consequence: missense variant.
Genome position (GRCh38, 1-based): chrX:49,255,484, C>T on the plus strand (G>A on the coding strand, the complement: FOXP3 is on the minus strand). VCF-style: chrX-49255484-C-T. GRCh37 (hg19) VCF-style: chrX-49111945-C-T.
Other names: c.656G>A, p.Ser219Asn (NM_001114377.2); short protein forms S219N, S254N.
Identifiers: ClinVar variation 2788912 (VCV002788912.3), dbSNP rs782071730, ClinGen allele CA10411741.

ClinVar aggregate classification (germline): Uncertain significance (1 of 4 stars; one submission).

Conditions:
Insulin-dependent diabetes mellitus secretory diarrhea syndrome (IPEX). Also called: Immunodeficiency, Polyendocrinopathy, and Enteropathy X-Linked Syndrome; X-Linked Syndrome of Polyendocrinopathy, Immune Dysfunction, and Diarrhea; IMMUNODEFICIENCY, POLYENDOCRINOPATHY, AND ENTEROPATHY, X-LINKED; IPEX and IPEX-Like; DIABETES MELLITUS, CONGENITAL INSULIN-DEPENDENT, WITH FATAL SECRETORY DIARRHEA; DIARRHEA, POLYENDOCRINOPATHY, FATAL INFECTION SYNDROME, X-LINKED. Identifiers: Orphanet 37042, MedGen C0342288, MONDO:0010580, OMIM 304790. Disease mechanism: loss of function.

Allele frequency attached by ClinVar (database versions not stated): gnomAD exomes 0.00001; TOPMed 0.00001; ExAC 0.00003; gnomAD 0.00003.
gnomAD v4.1: 9 of 1,199,759 alleles (0.00075%); highest among the groups gnomAD compares: African/African-American, 0.0017%; no homozygotes.

Submission:

Labcorp Genetics (formerly Invitae), Labcorp
Classification: Uncertain significance for Insulin-dependent diabetes mellitus secretory diarrhea syndrome. Last evaluated: 2025-08-03. Review status: criteria provided, single submitter. Criteria: Invitae Variant Classification Sherloc (09022015). Collection method: clinical testing. Allele origin: germline.
Comment: This sequence change replaces serine, which is neutral and polar, with asparagine, which is neutral and polar, at codon 254 of the FOXP3 protein (p.Ser254Asn). The frequency data for this variant in the population databases is considered unreliable, as metrics indicate poor data quality at this position in the gnomAD database. This variant has not been reported in the literature in individuals affected with FOXP3-related conditions. ClinVar contains an entry for this variant (Variation ID: 2788912). Invitae Evidence Modeling of protein sequence and biophysical properties (such as structural, functional, and spatial information, amino acid conservation, physicochemical variation, residue mobility, and thermodynamic stability) indicates that this missense variant is not expected to disrupt FOXP3 protein function with a negative predictive value of 80%. In summary, the available evidence is currently insufficient to determine the role of this variant in disease. Therefore, it has been classified as a Variant of Uncertain Significance.